The following is an entry in ClinVar:

ClinVar aggregate classification (germline): Likely benign. Review status: criteria provided, multiple submitters, no conflicts (2 of 4 stars). 8 submissions from 8 submitters: Likely benign (5). 3 of the submissions do not count toward it. Last evaluated 2026-01-28.

Conditions:
SZT2-related disorder. Also called: SZT2-related condition.
Developmental and epileptic encephalopathy, 18 (DEE18). Also called: Early infantile epileptic encephalopathy 18. Identifiers: Orphanet 369894, MedGen C3809624, MONDO:0014201, OMIM 615476.

Allele frequency attached by ClinVar (database versions not stated): ExAC 0.00010; gnomAD exomes 0.00012; TOPMed 0.00014; 1000 Genomes Project 30x 0.00016; gnomAD 0.00016 and 0.00017; 1000 Genomes Project 0.00020.
gnomAD v4.1: 212 of 1,614,104 alleles (0.013%); highest among the groups gnomAD compares: Middle Eastern, 0.12%; no homozygotes.

Submissions (8):

Labcorp Genetics (formerly Invitae), Labcorp
Classification: Likely benign. Last evaluated: 2026-01-28. Review status: criteria provided, single submitter. Criteria: Invitae Variant Classification Sherloc (09022015). Collection method: clinical testing. Allele origin: germline.

Blueprint Genetics
Classification: Likely benign. Last evaluated: 2024-04-26. Review status: criteria provided, single submitter. Criteria: ACMG Guidelines, 2015. Collection method: clinical testing. Allele origin: germline.

CeGaT Center for Human Genetics Tuebingen
Classification: Likely benign. Last evaluated: 2023-08-01. Review status: criteria provided, single submitter. Criteria: CeGaT Center For Human Genetics Tuebingen Variant Classification Criteria Version 2. Collection method: clinical testing. Allele origin: germline. Affected: yes. Observed: 1 variant allele.
Comment: SZT2: BP4, BP7

Genome-Nilou Lab
Classification: Likely benign for Developmental and epileptic encephalopathy, 18. Last evaluated: 2023-04-11. Review status: criteria provided, single submitter. Criteria: ACMG Guidelines, 2015. Collection method: clinical testing. Allele origin: germline. Affected: no.

GeneDx
Classification: Likely benign. Last evaluated: 2019-05-06. Review status: criteria provided, single submitter. Criteria: GeneDx Variant Classification Process June 2021. Collection method: clinical testing. Allele origin: germline. Affected: yes.

PreventionGenetics, part of Exact Sciences
Classification: Likely benign for SZT2-related condition. Last evaluated: 2024-06-24. Review status: no assertion criteria provided. Collection method: clinical testing. Allele origin: germline. Not counted in ClinVar's aggregate classification.
Comment: This variant is classified as likely benign based on ACMG/AMP sequence variant interpretation guidelines (Richards et al. 2015 PMID: 25741868, with internal and published modifications).

Clinical Genetics DNA and cytogenetics Diagnostics Lab, Erasmus MC, Erasmus Medical Center
Classification: Likely benign. Review status: no assertion criteria provided. Collection method: clinical testing. Allele origin: germline. Affected: yes. Study: VKGL Data-share Consensus. Not counted in ClinVar's aggregate classification.

Genome Diagnostics Laboratory, University Medical Center Utrecht
Classification: Likely benign. Review status: no assertion criteria provided. Collection method: clinical testing. Allele origin: germline. Affected: yes. Study: VKGL Data-share Consensus. Not counted in ClinVar's aggregate classification.

NM_001365999.1(SZT2):c.8316G>A (p.Thr2772=)

Gene: SZT2 (SZT2 subunit of KICSTOR complex; plus strand). Cytogenetic location: 1p34.2.
Variant type: single nucleotide variant.
Coding change: c.8316G>A on transcript NM_001365999.1 (MANE Select); coding-DNA position 8316, G replaced by A.
Protein change: p.Thr2772=; no amino-acid change (threonine 2772 retained).
Molecular consequence: synonymous variant.
Genome position (GRCh38, 1-based): chr1:43,442,983, G>A. VCF-style: chr1-43442983-G-A. GRCh37 (hg19) VCF-style: chr1-43908654-G-A.
Other names: c.8145G>A, p.Thr2715= (NM_015284.4).
Identifiers: ClinVar variation 696936 (VCV000696936.39), dbSNP rs532810601, ClinGen allele CA810507.